The following is an entry in ClinVar:

NM_004656.4(BAP1):c.23T>C (p.Leu8Pro)

Gene: BAP1 (BRCA1 associated deubiquitinase 1; minus strand). Cytogenetic location: 3p21.1.
Variant type: single nucleotide variant.
Coding change: c.23T>C on transcript NM_004656.4 (MANE Select); coding-DNA position 23, T replaced by C.
Protein change: p.Leu8Pro; replaces leucine 8 with proline.
Molecular consequence: missense variant.
Genome position (GRCh38, 1-based): chr3:52,409,856, A>G on the plus strand (T>C on the coding strand, the complement: BAP1 is on the minus strand). VCF-style: chr3-52409856-A-G. GRCh37 (hg19) VCF-style: chr3-52443872-A-G.
Other names: c.23T>C, p.Leu8Pro (NM_001410772.1); short protein forms L8P.
Identifiers: ClinVar variation 3671966 (VCV003671966.3).

ClinVar aggregate classification (germline): Uncertain significance. Review status: criteria provided, multiple submitters, no conflicts (2 of 4 stars). 2 submissions from 2 submitters: Uncertain significance (2). Last evaluated 2025-08-22.

Conditions:
BAP1-related tumor predisposition syndrome (TPDS1). Also called: COMMON Syndrome; TUMOR PREDISPOSITION SYNDROME 1; Tumor susceptibility linked to germline BAP1 mutations; BAP1 tumor predisposition syndrome. Identifiers: Orphanet 289539, MedGen C3280492, MONDO:0013692, OMIM 614327.
Hereditary cancer-predisposing syndrome. Also called: Neoplastic Syndromes, Hereditary; Tumor predisposition; Hereditary Cancer Syndrome; Hereditary neoplastic syndrome. Identifiers: Orphanet 140162, MedGen C0027672, MeSH D009386, MONDO:0015356.

Submissions (2):

Ambry Genetics
Classification: Uncertain significance for Hereditary cancer-predisposing syndrome. Last evaluated: 2025-08-22. Review status: criteria provided, single submitter. Criteria: Ambry Variant Classification Scheme 2023. Collection method: clinical testing. Allele origin: germline.
Comment: The p.L8P variant (also known as c.23T>C), located in coding exon 1 of the BAP1 gene, results from a T to C substitution at nucleotide position 23. The leucine at codon 8 is replaced by proline, an amino acid with similar properties. This amino acid position is conserved. In addition, this alteration is predicted to be deleterious by in silico analysis. Based on the available evidence, the clinical significance of this variant remains unclear.

Labcorp Genetics (formerly Invitae), Labcorp
Classification: Uncertain significance for BAP1-related tumor predisposition syndrome. Last evaluated: 2024-03-28. Review status: criteria provided, single submitter. Criteria: Invitae Variant Classification Sherloc (09022015). Collection method: clinical testing. Allele origin: germline.
Comment: This sequence change replaces leucine, which is neutral and non-polar, with proline, which is neutral and non-polar, at codon 8 of the BAP1 protein (p.Leu8Pro). This variant is not present in population databases (gnomAD no frequency). This variant has not been reported in the literature in individuals affected with BAP1-related conditions. Advanced modeling of protein sequence and biophysical properties (such as structural, functional, and spatial information, amino acid conservation, physicochemical variation, residue mobility, and thermodynamic stability) performed at Invitae indicates that this missense variant is expected to disrupt BAP1 protein function with a positive predictive value of 80%. In summary, the available evidence is currently insufficient to determine the role of this variant in disease. Therefore, it has been classified as a Variant of Uncertain Significance.